The following is an entry in ClinVar:

ClinVar aggregate classification (germline): Likely benign (1 of 4 stars; one submission).

gnomAD v4.1: 1,326 of 1,606,298 alleles (0.083%); highest among the groups gnomAD compares: African/African-American, 1.3%; 10 homozygotes.

Submission:

CeGaT Center for Human Genetics Tuebingen
Classification: Likely benign. Last evaluated: 2026-08-01. Review status: criteria provided, single submitter. Criteria: CeGaT Center For Human Genetics Tuebingen Variant Classification Criteria Version 2. Collection method: clinical testing. Allele origin: germline. Affected: yes. Observed: 1 variant allele.
Comment: ENSG00000286235: BS1; CRLS1: BS1

NM_019095.6(CRLS1):c.587A>G (p.Tyr196Cys)

Gene: CRLS1 (cardiolipin synthase 1; plus strand). Cytogenetic location: 20p12.3.
Variant type: single nucleotide variant.
Coding change: c.587A>G on transcript NM_019095.6 (MANE Select); coding-DNA position 587, A replaced by G.
Protein change: p.Tyr196Cys; replaces tyrosine 196 with cysteine.
Molecular consequence: missense variant.
Genome position (GRCh38, 1-based): chr20:6,031,297, A>G. VCF-style: chr20-6031297-A-G. GRCh37 (hg19) VCF-style: chr20-6011943-A-G.
Other names: c.290A>G, p.Tyr97Cys (NM_001127458.2); c.254A>G, p.Tyr85Cys (NM_001323561.2, NM_001323562.2, NM_001323563.2 and 1 more transcripts); short protein forms Y196C, Y85C, Y97C.
Identifiers: ClinVar variation 5038684 (VCV005038684.1).